The following is an entry in ClinVar:

NM_144701.3(IL23R):c.955+30G>A

Gene: IL23R (interleukin 23 receptor; plus strand). Cytogenetic location: 1p31.3.
Variant type: single nucleotide variant.
Coding change: c.955+30G>A on transcript NM_144701.3 (MANE Select); 30 bases into the intron after coding-DNA position 955, G replaced by A.
Molecular consequence: intron variant.
Genome position (GRCh38, 1-based): chr1:67,219,760, G>A. VCF-style: chr1-67219760-G-A. GRCh37 (hg19) VCF-style: chr1-67685443-G-A.
Identifiers: ClinVar variation 2688373 (VCV002688373.2), dbSNP rs7518660, ClinGen allele CA899888.

ClinVar aggregate classification (germline): Benign (1 of 4 stars; one submission).

Allele frequency attached by ClinVar (database versions not stated): 1000 Genomes Project 0.41114; 1000 Genomes Project 30x 0.41958; ExAC 0.43207; gnomAD exomes 0.44721; gnomAD 0.46171; ESP Exome Variant Server 0.47062; TOPMed 0.47361.
gnomAD v4.1: 714,381 of 1,594,142 alleles (45%); highest among the groups gnomAD compares: Admixed American, 56%; 163,702 homozygotes.

Submission:

Unidad de Genómica Garrahan, Hospital de Pediatría Garrahan
Classification: Benign. Last evaluated: 2024-01-24. Review status: criteria provided, single submitter. Criteria: ACMG Guidelines, 2015. Collection method: clinical testing. Allele origin: germline. Affected: no. Observed: 64 variant alleles.
Comment: This variant is classified as Benign based on local population frequency. This variant was detected in 73% of patients studied by a panel of primary immunodeficiencies. Number of patients: 64. Only high quality variants are reported.